The following is an entry in ClinVar:

ClinVar aggregate classification (germline): Uncertain significance (1 of 4 stars; one submission).

Conditions:
TTC21B-related disorder. Also called: TTC21B-related condition; TTC21B-related disorders.

Submission:

PreventionGenetics, part of Exact Sciences
Classification: Uncertain significance for TTC21B-related condition. Last evaluated: 2023-03-23. Review status: criteria provided, single submitter. Criteria: ACMG Guidelines, 2015. Collection method: clinical testing. Allele origin: germline.
Comment: The TTC21B c.430-6T>C variant is predicted to interfere with splicing. To our knowledge, this variant has not been reported in the literature or in a large population database, indicating this variant is rare. At this time, the clinical significance of this variant is uncertain due to the absence of conclusive functional and genetic evidence.

NM_024753.5(TTC21B):c.430-6T>C

Genes: TTC21B (tetratricopeptide repeat domain 21B; minus strand), TTC21B-AS1 (TTC21B antisense RNA 1; plus strand). Cytogenetic location: 2q24.3.
Variant type: single nucleotide variant.
Coding change: c.430-6T>C on transcript NM_024753.5 (MANE Select); 6 bases into the intron before coding-DNA position 430, T replaced by C.
Molecular consequence: intron variant.
Genome position (GRCh38, 1-based): chr2:165,943,347, A>G on the plus strand (T>C on the coding strand, the complement: TTC21B is on the minus strand). VCF-style: chr2-165943347-A-G. GRCh37 (hg19) VCF-style: chr2-166799857-A-G.
Identifiers: ClinVar variation 2633809 (VCV002633809.1), dbSNP rs554154931, ClinGen allele CA2695197068.